The following is an entry in ClinVar:

NM_004333.6(BRAF):c.981-811C>T

Gene: BRAF (B-Raf proto-oncogene, serine/threonine kinase; minus strand). Cytogenetic location: 7q34.
Variant type: single nucleotide variant.
Coding change: c.981-811C>T on transcript NM_004333.6 (MANE Select); 811 bases into the intron before coding-DNA position 981, C replaced by T.
Molecular consequence: intron variant.
Genome position (GRCh38, 1-based): chr7:140,795,278, G>A on the plus strand (C>T on the coding strand, the complement: BRAF is on the minus strand). VCF-style: chr7-140795278-G-A. GRCh37 (hg19) VCF-style: chr7-140495078-G-A.
Other names: c.981-811C>T (NM_001378474.1, NM_001378471.1, NM_001378468.1 and 4 more transcripts); c.879-811C>T (NM_001378470.1); c.717-811C>T (NM_001378475.1); c.990-811C>T (NM_001378467.1); c.825-811C>T (NM_001378472.1, NM_001378473.1).
Identifiers: ClinVar variation 2658072 (VCV002658072.24), dbSNP rs185818169, ClinGen allele CA168101475.

ClinVar aggregate classification (germline): Benign (1 of 4 stars; one submission).

Allele frequency attached by ClinVar (database versions not stated): 1000 Genomes Project 30x 0.00094; 1000 Genomes Project 0.00120; gnomAD 0.00148; TOPMed 0.00182.
gnomAD v4.1: 227 of 152,230 alleles (0.15%); highest among the groups gnomAD compares: African/African-American, 0.5%; 2 homozygotes.

Submission:

CeGaT Center for Human Genetics Tuebingen
Classification: Benign. Last evaluated: 2022-09-01. Review status: criteria provided, single submitter. Criteria: CeGaT Center For Human Genetics Tuebingen Variant Classification Criteria Version 2. Collection method: clinical testing. Allele origin: germline. Affected: yes. Observed: 1 variant allele.
Comment: BRAF: BS1, BS2